The following is an entry in ClinVar:

ClinVar aggregate classification (germline): Uncertain significance (1 of 4 stars; one submission).

Allele frequency attached by ClinVar (database versions not stated): gnomAD exomes 0.00001.
gnomAD v4.1: 3 of 1,613,964 alleles (0.00019%); highest among the groups gnomAD compares: Admixed American, 0.005%; no homozygotes.

Submission:

Labcorp Genetics (formerly Invitae), Labcorp
Classification: Uncertain significance. Last evaluated: 2022-08-15. Review status: criteria provided, single submitter. Criteria: Invitae Variant Classification Sherloc (09022015). Collection method: clinical testing. Allele origin: germline.
Comment: In summary, the available evidence is currently insufficient to determine the role of this variant in disease. Therefore, it has been classified as a Variant of Uncertain Significance. Algorithms developed to predict the effect of missense changes on protein structure and function output the following: SIFT: "Tolerated"; PolyPhen-2: "Benign"; Align-GVGD: "Class C0". The glycine amino acid residue is found in multiple mammalian species, which suggests that this missense change does not adversely affect protein function. ClinVar contains an entry for this variant (Variation ID: 1497815). This variant has not been reported in the literature in individuals affected with VCAN-related conditions. This variant is present in population databases (no rsID available, gnomAD 0.009%). This sequence change replaces arginine, which is basic and polar, with glycine, which is neutral and non-polar, at codon 1564 of the VCAN protein (p.Arg1564Gly).

NM_004385.5(VCAN):c.4690A>G (p.Arg1564Gly)

Genes: VCAN (versican; plus strand), VCAN-AS1 (VCAN antisense RNA 1; minus strand). Cytogenetic location: 5q14.3.
Variant type: single nucleotide variant.
Coding change: c.4690A>G on transcript NM_004385.5 (MANE Select); coding-DNA position 4690, A replaced by G.
Protein change: p.Arg1564Gly; replaces arginine 1564 with glycine.
Molecular consequence: missense variant. On other transcripts: intron variant (2).
Genome position (GRCh38, 1-based): chr5:83,537,693, A>G. VCF-style: chr5-83537693-A-G. GRCh37 (hg19) VCF-style: chr5-82833512-A-G.
Other names: c.1729A>G, p.Arg577Gly (NM_001164097.2); c.4004-7844A>G (NM_001164098.2); c.1043-7844A>G (NM_001126336.3); short protein forms R577G, R1564G.
Identifiers: ClinVar variation 1497815 (VCV001497815.8), dbSNP rs1161503851, ClinGen allele CA360308798.